The following is an entry in ClinVar:

ClinVar aggregate classification (germline): Pathogenic/Likely pathogenic. Review status: criteria provided, multiple submitters, no conflicts (2 of 4 stars). 9 submissions from 9 submitters: Pathogenic (6); Likely pathogenic (3). Last evaluated 2026-06-30.

Conditions:
L1CAM-related disorder. Also called: L1CAM-related condition.
X-linked complicated corpus callosum dysgenesis. Also called: X-Linked Complicated Corpus Callosum Agenesis. Identifiers: Orphanet 1497, MedGen C1839909, MONDO:0010569, OMIM 304100.
X-linked hydrocephalus syndrome (HYCX). Also called: AQUEDUCTAL STENOSIS, X-LINKED; X-Linked Hydrocephalus with Stenosis of the Aqueduct of Sylvius; X-linked hydrocephalus; X-Linked Hydrocephalus with Stenosis of the Aqueduct of Sylvius (HSAS); HYDROCEPHALUS, CONGENITAL, X-LINKED. Identifiers: Orphanet 2182, MedGen C0265216, MONDO:0010611, OMIM 307000.
MASA syndrome. Also called: CRASH syndrome; ADDUCTED THUMB WITH MENTAL RETARDATION; CLASPED THUMB AND MENTAL RETARDATION; GAREIS-MASON SYNDROME; MENTAL RETARDATION, APHASIA, SHUFFLING GAIT, AND ADDUCTED THUMBS; SPASTIC PARAPLEGIA 1, X-LINKED. Identifiers: Orphanet 2466, MedGen C0795953, MONDO:0010559, OMIM 303350.
Fetal anomalies with a likely genetic cause.
L1 syndrome. Identifiers: Orphanet 275543, MedGen C5779710, MONDO:0017140.
Spastic paraplegia. Identifiers: MedGen C0037772, HP:0001258.

Allele frequency attached by ClinVar (database versions not stated): gnomAD exomes below 0.00001.
gnomAD v4.1: 1 of 1,209,617 alleles (0.000083%); highest among the groups gnomAD compares: Non-Finnish European, 0.00011%; no homozygotes.

Submissions (9):

Genetics Laboratory, Great Ormond Street Hospital NHS Foundation Trust, North Thames Genomic Laboratory Hub
Classification: Likely pathogenic for Fetal anomalies with a likely genetic cause. Last evaluated: 2026-06-30. Review status: criteria provided, single submitter. Criteria: ACGS Best Practice Guidelines for Variant Classification in Rare Disease 2024 v1.2. Collection method: clinical testing. Allele origin: germline. Affected: yes.
Comment: PS4_moderate, PM2_moderate, PP3_supporting, PP4_supporting

Myriad Genetics, Inc.
Classification: Likely pathogenic for L1 syndrome. Last evaluated: 2026-05-11. Review status: criteria provided, single submitter. Criteria: Myriad Autosomal Dominant, Autosomal Recessive and X-Linked Classification Criteria (2023). Collection method: clinical testing. Allele origin: unknown.
Comment: NM_001278116.1(L1CAM):c.807-6G>A is an intronic variant classified as likely pathogenic in the context of L1 syndrome. c.807-6G>A has been observed in cases with relevant disease (PMID: 23820807, 9195224, 9521424). Relevant functional assessments of this variant are available in the literature (PMID: 9195224). c.807-6G>A has not been observed in referenced population frequency databases. In summary, NM_001278116.1(L1CAM):c.807-6G>A is an intronic variant that has been observed more frequently in cases with the relevant disease than in healthy populations. Please note: this variant was assessed in the context of healthy population screening.

PreventionGenetics, part of Exact Sciences
Classification: Pathogenic for L1CAM-related condition. Last evaluated: 2025-10-02. Review status: criteria provided, single submitter. Criteria: ACMG Guidelines, 2015. Collection method: clinical testing. Allele origin: germline.
Comment: The L1CAM c.807-6G>A variant is predicted to interfere with splicing. This variant has been reported to be causative for L1 Syndrome (Adle-Biassette et al. 2013. PubMed ID: 23820807; MacFarlane et al. 1997. PubMed ID: 9195224; Du et al. 1998. PubMed ID: 9521424). This variant has not been reported in a large population database (gnomAD), indicating this variant is rare. This variant is interpreted as pathogenic.

Laboratoire de Génétique Moléculaire, CHU Bordeaux
Classification: Pathogenic for X-linked hydrocephalus syndrome. Last evaluated: 2025-03-31. Review status: criteria provided, single submitter. Criteria: ACMG Guidelines, 2015. Collection method: clinical testing. Allele origin: germline. Affected: yes.

Labcorp Genetics (formerly Invitae), Labcorp
Classification: Pathogenic for Spastic paraplegia. Last evaluated: 2022-08-25. Review status: criteria provided, single submitter. Criteria: Invitae Variant Classification Sherloc (09022015). Collection method: clinical testing. Allele origin: germline.
Comment: For these reasons, this variant has been classified as Pathogenic. This sequence change falls in intron 7 of the L1CAM gene. It does not directly change the encoded amino acid sequence of the L1CAM protein. This variant is not present in population databases (gnomAD no frequency). This variant has been observed in individuals with X-linked L1 syndrome (PMID: 9195224, 9521424, 19953645, 23820807). It has also been observed to segregate with disease in related individuals. ClinVar contains an entry for this variant (Variation ID: 265221). Studies have shown that this variant results in activation of a cryptic acceptor splice site and introduces a premature termination codon (PMID: 9195224). The resulting mRNA is expected to undergo nonsense-mediated decay.

Women's Health and Genetics/Laboratory Corporation of America, LabCorp
Classification: Pathogenic for L1 syndrome. Last evaluated: 2021-08-12. Review status: criteria provided, single submitter. Criteria: LabCorp Variant Classification Summary - May 2015. Collection method: clinical testing. Allele origin: germline.
Comment: Variant summary: L1CAM c.807-6G>A alters a non-conserved nucleotide located close to a canonical splice site and therefore could affect mRNA splicing, leading to a significantly altered protein sequence. Several computational tools predict a significant impact on normal splicing: Four predict the variant creates a cryptic 3` acceptor site. Three predict the variant weakens a canonical 3` acceptor site. One predicts the variant abolishes a canonical 3` acceptor site. At least one publication reports experimental evidence that this variant results in causing aberrant splicing by creating a novel intron acceptor site (MacFarlane_1997, protein changed and predicted as p.Phe269LeufsX39 in L1CAM Mutation Database). The variant was absent in 182129 control chromosomes (gnomAD and publication data). c.807-6G>A has been reported in the literature in individuals affected with X-linked hydrocephalus and MASA syndrome (Du_1998, MacFarlane_1997, Nunes_2009). These data indicate that the variant is likely to be associated with disease. Two ClinVar submitters (evaluation after 2014) cite the variant as pathogenic. Based on the evidence outlined above, the variant was classified as pathogenic.

Genetic Services Laboratory, University of Chicago
Classification: Pathogenic. Last evaluated: 2017-08-10. Review status: criteria provided, single submitter. Criteria: ACMG Guidelines, 2015. Collection method: clinical testing. Allele origin: germline. Affected: yes.

GeneDx
Classification: Pathogenic. Last evaluated: 2016-01-26. Review status: criteria provided, single submitter. Criteria: GeneDx Variant Classification (06012015). Collection method: clinical testing. Allele origin: germline. Affected: yes.
Comment: The c.807-6 G>A splice site variant in the L1CAM gene has been previously reported in association with L1CAM-related disorders (MacFarlane et al., 1997; Du et al., 1998; Adle-Biassette et al., 2013). This pathogenic variant creates a new splice acceptor site upstream of the natural splice acceptor site in intron 7, and causes abnormal gene splicing leading to a premature stop codon (MacFarlane et al., 1997). The variant was not observed in approximately 6,500 individuals of European and African American ancestry in the NHLBI Exome Sequencing Project, indicating it is not a common benign variant in these populations.

Juno Genomics, Hangzhou Juno Genomics, Inc
Classification: Likely pathogenic for X-linked complicated corpus callosum dysgenesis; X-linked hydrocephalus syndrome; MASA syndrome. Review status: criteria provided, single submitter. Criteria: ACMG Guidelines, 2015. Collection method: clinical testing. Allele origin: germline. Affected: yes.
Comment: Absent from controls (or at extremely low frequency if recessive) in Genome Aggregation Database, Exome Sequencing Project, 1000 Genomes Project, or Exome Aggregation Consortium.;Well-established in vitro or in vivo functional studies supportive of a damaging effect on the gene or gene product.;The prevalence of the variant in affected individuals is significantly increased compared to the prevalence in controls.;Patient's phenotype or family history is highly specific for a disease with a single genetic etiology.

Literature cited by the submitters: PubMed 23820807 (cited by 3 submitters); PubMed 9195224 (cited by 3 submitters); PubMed 9521424 (cited by 3 submitters); PubMed 19953645 (cited by Labcorp Genetics (formerly Invitae), Labcorp and Women's Health and Genetics/Laboratory Corporation of America, LabCorp); PubMed 11438988 (cited by Women's Health and Genetics/Laboratory Corporation of America, LabCorp); PubMed 9300653 (cited by Women's Health and Genetics/Laboratory Corporation of America, LabCorp).

NM_001278116.2(L1CAM):c.807-6G>A

Gene: L1CAM (L1 cell adhesion molecule; minus strand). Cytogenetic location: Xq28.
Variant type: single nucleotide variant.
Coding change: c.807-6G>A on transcript NM_001278116.2 (MANE Select); 6 bases into the intron before coding-DNA position 807, G replaced by A.
Molecular consequence: intron variant.
Genome position (GRCh38, 1-based): chrX:153,870,246, C>T on the plus strand (G>A on the coding strand, the complement: L1CAM is on the minus strand). VCF-style: chrX-153870246-C-T. GRCh37 (hg19) VCF-style: chrX-153135701-C-T.
Other names: c.792-6G>A (NM_001143963.2); c.807-6G>A (NM_024003.3, NM_000425.5).
Identifiers: ClinVar variation 265221 (VCV000265221.17), dbSNP rs886039405, ClinGen allele CA10588751.